The following is an entry in ClinVar:

ClinVar aggregate classification (germline): Uncertain significance (1 of 4 stars; one submission).

Conditions:
Early-infantile DEE. Also called: Early infantile epileptic encephalopathy; Early infantile epileptic encephalopathy with suppression bursts; Ohtahara syndrome. Identifiers: Orphanet 1934, MedGen C0393706, MONDO:0800491.

Submission:

Labcorp Genetics (formerly Invitae), Labcorp
Classification: Uncertain significance for Early-infantile DEE. Last evaluated: 2023-03-24. Review status: criteria provided, single submitter. Criteria: Invitae Variant Classification Sherloc (09022015). Collection method: clinical testing. Allele origin: germline.
Comment: This sequence change replaces aspartic acid, which is acidic and polar, with asparagine, which is neutral and polar, at codon 2096 of the SPTAN1 protein (p.Asp2096Asn). This variant is not present in population databases (gnomAD no frequency). This variant has not been reported in the literature in individuals affected with SPTAN1-related conditions. Advanced modeling of protein sequence and biophysical properties (such as structural, functional, and spatial information, amino acid conservation, physicochemical variation, residue mobility, and thermodynamic stability) has been performed at Invitae for this missense variant, however the output from this modeling did not meet the statistical confidence thresholds required to predict the impact of this variant on SPTAN1 protein function. In summary, the available evidence is currently insufficient to determine the role of this variant in disease. Therefore, it has been classified as a Variant of Uncertain Significance.

NM_001130438.3(SPTAN1):c.6286G>A (p.Asp2096Asn)

Gene: SPTAN1 (spectrin alpha, non-erythrocytic 1; plus strand). Cytogenetic location: 9q34.11.
Variant type: single nucleotide variant.
Coding change: c.6286G>A on transcript NM_001130438.3 (MANE Select); coding-DNA position 6286, G replaced by A.
Protein change: p.Asp2096Asn; replaces aspartic acid 2096 with asparagine.
Molecular consequence: missense variant.
Genome position (GRCh38, 1-based): chr9:128,626,397, G>A. VCF-style: chr9-128626397-G-A. GRCh37 (hg19) VCF-style: chr9-131388676-G-A.
Other names: c.6211G>A, p.Asp2071Asn (NM_001195532.2); c.6286G>A, p.Asp2096Asn (NM_001363759.2, NM_001375310.1, NM_001375311.2 and 1 more transcripts); c.6226G>A, p.Asp2076Asn (NM_001363765.2, NM_001375314.2); c.6322G>A, p.Asp2108Asn (NM_001375312.2, NM_001375318.1); c.6271G>A, p.Asp2091Asn (NM_003127.4); short protein forms D2071N, D2076N, D2108N, D2091N, D2096N.
Identifiers: ClinVar variation 2841996 (VCV002841996.3), dbSNP rs2542206795, ClinGen allele CA375087790.